The following is an entry in ClinVar:

NM_001999.4(FBN2):c.8094G>C (p.Glu2698Asp)

Gene: FBN2 (fibrillin 2; minus strand). Cytogenetic location: 5q23.3.
Variant type: single nucleotide variant.
Coding change: c.8094G>C on transcript NM_001999.4 (MANE Select); coding-DNA position 8094, G replaced by C.
Protein change: p.Glu2698Asp; replaces glutamic acid 2698 with aspartic acid.
Molecular consequence: missense variant.
Genome position (GRCh38, 1-based): chr5:128,263,523, C>G on the plus strand (G>C on the coding strand, the complement: FBN2 is on the minus strand). VCF-style: chr5-128263523-C-G. GRCh37 (hg19) VCF-style: chr5-127599215-C-G.
Other names: short protein forms E2698D.
Identifiers: ClinVar variation 1035271 (VCV001035271.11), dbSNP rs1765035115, ClinGen allele CA360748513.
Genomic context (GRCh38, chr5:128,263,523, plus strand): 5'-GAGGTAGCCCCCCTCCGTGTTAGAGCAGCCGTAATTGCAGGGGTTCTTGGAGGACGAGCA[C>G]TCATTCACGTCGTGGCAGGCACTGGAGAACTGGTCGAAGGAGAACCCCGAGGGGCAGGCG-3'
Protein context (NP_001990.2, residues 2688-2708): QFSSACHDVN[Glu2698Asp]CSSSKNPCNY

ClinVar aggregate classification (germline): Uncertain significance (1 of 4 stars; one submission).

Conditions:
Congenital contractural arachnodactyly (CCA). Also called: BEALS SYNDROME; Beals-Hecht syndrome; Arthrogryposis, distal, type 9. Identifiers: Orphanet 115, MedGen C0220668, MONDO:0007363, OMIM 121050.

Submission:

Labcorp Genetics (formerly Invitae), Labcorp
Classification: Uncertain significance for Congenital contractural arachnodactyly. Last evaluated: 2020-05-03. Review status: criteria provided, single submitter. Criteria: Invitae Variant Classification Sherloc (09022015). Collection method: clinical testing. Allele origin: germline.
Comment: In summary, the available evidence is currently insufficient to determine the role of this variant in disease. Therefore, it has been classified as a Variant of Uncertain Significance. Algorithms developed to predict the effect of missense changes on protein structure and function are either unavailable or do not agree on the potential impact of this missense change (SIFT: "Deleterious"; PolyPhen-2: "Benign"; Align-GVGD: "Class C35"). This variant has not been reported in the literature in individuals with FBN2-related conditions. This variant is not present in population databases (ExAC no frequency). This sequence change replaces glutamic acid with aspartic acid at codon 2698 of the FBN2 protein (p.Glu2698Asp). The glutamic acid residue is highly conserved and there is a small physicochemical difference between glutamic acid and aspartic acid.